The following is an entry in ClinVar:

ClinVar aggregate classification (germline): Conflicting classifications of pathogenicity. Review status: criteria provided, conflicting classifications (1 of 4 stars). 5 submissions from 5 submitters: Uncertain significance (4); Likely benign (1). Last evaluated 2026-05-23.

Conditions:
ADGRV1-related disorder. Also called: ADGRV1-related condition; ADGRV1-related disorders.
Inborn genetic diseases. Identifiers: MedGen C0950123, MeSH D030342.

Allele frequency attached by ClinVar (database versions not stated): gnomAD exomes below 0.00001 and 0.00002; ExAC 0.00002; ESP Exome Variant Server 0.00008; TOPMed 0.00009; gnomAD 0.00013 and 0.00014.
gnomAD v4.1: 31 of 1,613,870 alleles (0.0019%); highest among the groups gnomAD compares: African/African-American, 0.029%; no homozygotes.

Submissions (5):

Ambry Genetics
Classification: Uncertain significance for Inborn genetic diseases. Last evaluated: 2026-05-23. Review status: criteria provided, single submitter. Criteria: Ambry Variant Classification Scheme 2023. Collection method: clinical testing. Allele origin: germline.

PreventionGenetics, part of Exact Sciences
Classification: Uncertain significance for ADGRV1-related condition. Last evaluated: 2026-05-11. Review status: criteria provided, single submitter. Criteria: ACMG Guidelines, 2015. Collection method: clinical testing. Allele origin: germline.
Comment: The ADGRV1 c.6119A>G variant is predicted to result in the amino acid substitution p.Tyr2040Cys. To our knowledge, this variant has not been reported in the literature. This variant is reported in 0.029% of alleles in individuals of African descent in gnomAD. At this time, the clinical significance of this variant is uncertain due to the absence of conclusive functional and genetic evidence.

Labcorp Genetics (formerly Invitae), Labcorp
Classification: Likely benign. Last evaluated: 2025-12-03. Review status: criteria provided, single submitter. Criteria: Invitae Variant Classification Sherloc (09022015). Collection method: clinical testing. Allele origin: germline.

Blueprint Genetics
Classification: Uncertain significance. Last evaluated: 2022-03-25. Review status: criteria provided, single submitter. Criteria: ACMG Guidelines, 2015. Collection method: clinical testing. Allele origin: germline.

GeneDx
Classification: Uncertain significance. Last evaluated: 2021-08-19. Review status: criteria provided, single submitter. Criteria: GeneDx Variant Classification Process June 2021. Collection method: clinical testing. Allele origin: germline. Affected: yes.
Comment: In silico analysis supports that this missense variant has a deleterious effect on protein structure/function; Has not been previously published as pathogenic or benign to our knowledge

NM_032119.4(ADGRV1):c.6119A>G (p.Tyr2040Cys)

Gene: ADGRV1 (adhesion G protein-coupled receptor V1; plus strand). Cytogenetic location: 5q14.3.
Variant type: single nucleotide variant.
Coding change: c.6119A>G on transcript NM_032119.4 (MANE Select); coding-DNA position 6119, A replaced by G.
Protein change: p.Tyr2040Cys; replaces tyrosine 2040 with cysteine.
Molecular consequence: missense variant. On other transcripts: non-coding transcript variant (1).
Genome position (GRCh38, 1-based): chr5:90,684,040, A>G. VCF-style: chr5-90684040-A-G. GRCh37 (hg19) VCF-style: chr5-89979857-A-G.
Other names: short protein forms Y2040C.
Identifiers: ClinVar variation 849360 (VCV000849360.12), dbSNP rs374889159, ClinGen allele CA3339711.